The following is an entry in ClinVar:

NM_001378454.1(ALMS1):c.3574T>G (p.Tyr1192Asp)

Gene: ALMS1 (ALMS1 centrosome and basal body associated protein; plus strand). Cytogenetic location: 2p13.1.
Variant type: single nucleotide variant.
Coding change: c.3574T>G on transcript NM_001378454.1 (MANE Select); coding-DNA position 3574, T replaced by G.
Protein change: p.Tyr1192Asp; replaces tyrosine 1192 with aspartic acid.
Molecular consequence: missense variant.
Genome position (GRCh38, 1-based): chr2:73,450,101, T>G. VCF-style: chr2-73450101-T-G. GRCh37 (hg19) VCF-style: chr2-73677228-T-G.
Other names: c.3577T>G, p.Tyr1193Asp (NM_015120.4); short protein forms Y1193D, Y1192D.
Identifiers: ClinVar variation 432852 (VCV000432852.5), dbSNP rs1553403697, ClinGen allele CA347275943.
Genomic context (GRCh38, chr2:73,450,101, plus strand): 5'-TCAGCTGTTACTGGACCAGGTAACCAGAAGACTTGGATACCAAGAGTACTTTCTACCTTC[T>G]ACTCACAAAGAGAGAAACCTGGTATTTTCTATCAACAGACCTTGCCAGGTAGTCACATAC-3'
Protein context (NP_001365383.1, residues 1182-1202): TWIPRVLSTF[Tyr1192Asp]SQREKPGIFY

ClinVar aggregate classification (germline): Uncertain significance. Review status: criteria provided, multiple submitters, no conflicts (2 of 4 stars). 3 submissions from 3 submitters: Uncertain significance (3). Last evaluated 2022-04-15.

Conditions:
Alstrom syndrome (ALMS). Identifiers: Orphanet 64, MedGen C0268425, MONDO:0008763, OMIM 203800.

Submissions (3):

Fulgent Genetics
Classification: Uncertain significance for Alstrom syndrome. Last evaluated: 2022-04-15. Review status: criteria provided, single submitter. Criteria: ACMG Guidelines, 2015. Collection method: clinical testing. Allele origin: unknown.

Labcorp Genetics (formerly Invitae), Labcorp
Classification: Uncertain significance for Alstrom syndrome. Last evaluated: 2022-04-07. Review status: criteria provided, single submitter. Criteria: Invitae Variant Classification Sherloc (09022015). Collection method: clinical testing. Allele origin: germline.
Comment: This sequence change replaces tyrosine, which is neutral and polar, with aspartic acid, which is acidic and polar, at codon 1193 of the ALMS1 protein (p.Tyr1193Asp). This variant is not present in population databases (gnomAD no frequency). This variant has not been reported in the literature in individuals affected with ALMS1-related conditions. ClinVar contains an entry for this variant (Variation ID: 432852). Experimental studies and prediction algorithms are not available or were not evaluated, and the functional significance of this variant is currently unknown. In summary, the available evidence is currently insufficient to determine the role of this variant in disease. Therefore, it has been classified as a Variant of Uncertain Significance.

GeneDx
Classification: Uncertain significance. Last evaluated: 2017-06-19. Review status: criteria provided, single submitter. Criteria: GeneDx Variant Classification (06012015). Collection method: clinical testing. Allele origin: germline. Affected: yes.
Comment: A variant of uncertain significance has been identified in the ALMS1 gene. The Y1193D variant has not been published as pathogenic or been reported as benign to our knowledge. This variant is not observed in large population cohorts (Lek et al., 2016; 1000 Genomes Consortium et al., 2015; Exome Variant Server). The Y1193D variant is a non-conservative amino acid substitution, which is likely to impact secondary protein structure as these residues differ in polarity, charge, size and/or other properties. However, this substitution occurs at a position that is not conserved across species. In silico analysis is inconsistent in its predictions as to whether or not the variant is damaging to the protein structure/function. Lastly, while some missense variants have been reported in association with Alstrom syndrome, most pathogenic variants in ALMS1 reported to date are predicted to cause premature protein truncation (Marshall et al., 2012; Stenson et al., 2014).